The following is an entry in ClinVar:

NC_000006.12:g.(?_162201111)_(162201272_?)del

Genes: PRKN (parkin RBR E3 ubiquitin protein ligase; minus strand), LOC126859871 (MED14-independent group 3 enhancer GRCh37_chr6:162621359-162622558; plus strand). Cytogenetic location: 6q26.
Variant type: Deletion.
Identifiers: ClinVar variation 468578 (VCV000468578.7).

ClinVar aggregate classification (germline): Pathogenic. Review status: criteria provided, single submitter (1 of 4 stars). 2 submissions from 1 submitter: Pathogenic (1). 1 of the submissions does not count toward it. Last evaluated 2022-10-28.

Conditions:
Autosomal recessive juvenile Parkinson disease 2. Also called: PARKINSON DISEASE, JUVENILE, AUTOSOMAL RECESSIVE; PRKN-Related Early-Onset Parkinson Disease; Parkinson disease, juvenile, type 2; Parkinson disease autosomal recessive, early onset; Juvenile parkinsonism; Parkinsonism, early onset, with diurnal fluctuation. Identifiers: Orphanet 2828, MedGen C1868675, MONDO:0010820, OMIM 600116.

Submissions (2):

Labcorp Genetics (formerly Invitae), Labcorp
Classification: Pathogenic. Last evaluated: 2022-10-28. Review status: criteria provided, single submitter. Criteria: Invitae Variant Classification Sherloc (09022015). Collection method: clinical testing. Allele origin: germline.
Comment: This variant is a gross deletion of the genomic region encompassing exon(s) 4 of the PRKN gene. This deletion is out-of-frame, and is expected to create a premature termination codon and result in an absent or disrupted protein product. Loss-of-function variants in PRKN are known to be pathogenic (PMID: 10072423, 20301651, 22956510). A similar copy number variant has been observed in individual(s) with early-onset Parkinson disease (PMID: 9560156, 9851438, 10824074, 10939576, 15254940, 21993715, 27182553). In at least one individual the data is consistent with being in trans (on the opposite chromosome) from a pathogenic variant. It has also been observed to segregate with disease in related individuals. For these reasons, this variant has been classified as Pathogenic.

Labcorp Genetics (formerly Invitae), Labcorp
Classification: Pathogenic for Parkinson disease 2. Last evaluated: 2018-08-03. Review status: flagged submission. Criteria: Invitae Variant Classification Sherloc (09022015). Collection method: clinical testing. Allele origin: germline. Not counted in ClinVar's aggregate classification.
Comment: This variant is an out-of-frame deletion of the genomic region encompassing exon 4 of the PARK2 gene. This is expected to create a premature translational stop signal and result in an absent or disrupted protein product. Similar deletions of exon 4 have been observedÂ¬â€ to be homozygous orÂ¬â€ on the opposite chromosome (in trans) from other pathogenic variants in individuals and families affected with early-onset Parkinsonâ€šÃ„Ã´s disease (PMID:Â¬â€ 9560156, 9851438, 10824074, 10939576, 15254940, 21993715, 27182553), and have also been observed to segregate with disease in affected families (PMID:Â¬â€ 9560156, 10939576, 15254940, 21993715).Â¬â€ This finding is consistent with autosomal recessive inheritance, and suggestsÂ¬â€ that this variant contributes to disease. Loss-of-function variants in PARK2 are known to be pathogenic (PMID: 10072423, 20301651, 22956510). For these reasons, this variant has been classified as Pathogenic.
ClinVar note: Reason: This record appears to be redundant with a more recent record from the same submitter.
ClinVar note: Notes: SCV000645372 appears to be redundant with SCV002236267.

Literature cited by the submitters: PubMed 10072423; PubMed 20301651; PubMed 22956510; PubMed 9560156; PubMed 9851438; PubMed 10824074; PubMed 10939576; PubMed 15254940; PubMed 21993715; PubMed 27182553.